The following is an entry in ClinVar:

NM_000321.3(RB1):c.1889C>T (p.Thr630Ile)

Gene: RB1 (RB transcriptional corepressor 1; plus strand). Cytogenetic location: 13q14.2.
Variant type: single nucleotide variant.
Coding change: c.1889C>T on transcript NM_000321.3 (MANE Select); coding-DNA position 1889, C replaced by T.
Protein change: p.Thr630Ile; replaces threonine 630 with isoleucine.
Molecular consequence: missense variant.
Genome position (GRCh38, 1-based): chr13:48,456,278, C>T. VCF-style: chr13-48456278-C-T. GRCh37 (hg19) VCF-style: chr13-49030414-C-T.
Other names: short protein forms T630I.
Identifiers: ClinVar variation 658892 (VCV000658892.8), dbSNP rs1593532012, ClinGen allele CA388166011.

ClinVar aggregate classification (germline): Uncertain significance (1 of 4 stars; one submission).

Conditions:
Retinoblastoma (RB1). Also called: RETINOBLASTOMA, SOMATIC. Identifiers: Orphanet 790, MedGen C0035335, MeSH D012175, MONDO:0008380, OMIM 180200, HP:0009919. Disease mechanism: loss of function. Inheritance: Both sporadic and heritable forms are tested..

Submission:

Labcorp Genetics (formerly Invitae), Labcorp
Classification: Uncertain significance for Retinoblastoma. Last evaluated: 2018-11-22. Review status: criteria provided, single submitter. Criteria: Invitae Variant Classification Sherloc (09022015). Collection method: clinical testing. Allele origin: germline.
Comment: In summary, the available evidence is currently insufficient to determine the role of this variant in disease. Therefore, it has been classified as a Variant of Uncertain Significance. Algorithms developed to predict the effect of missense changes on protein structure and function are either unavailable or do not agree on the potential impact of this missense change (SIFT: "Deleterious"; PolyPhen-2: "Benign"; Align-GVGD: "Class C0"). This variant has not been reported in the literature in individuals with RB1-related conditions. This variant is not present in population databases (ExAC no frequency). This sequence change replaces threonine with isoleucine at codon 630 of the RB1 protein (p.Thr630Ile). The threonine residue is weakly conserved and there is a moderate physicochemical difference between threonine and isoleucine.